The following is an entry in ClinVar:

NM_005076.5(CNTN2):c.325T>G (p.Tyr109Asp)

Gene: CNTN2 (contactin 2; plus strand). Cytogenetic location: 1q32.1.
Variant type: single nucleotide variant.
Coding change: c.325T>G on transcript NM_005076.5 (MANE Select); coding-DNA position 325, T replaced by G.
Protein change: p.Tyr109Asp; replaces tyrosine 109 with aspartic acid.
Molecular consequence: missense variant. On other transcripts: non-coding transcript variant (1).
Genome position (GRCh38, 1-based): chr1:205,058,290, T>G. VCF-style: chr1-205058290-T-G. GRCh37 (hg19) VCF-style: chr1-205027418-T-G.
Other names: c.325T>G, p.Tyr109Asp (NM_001346083.2); short protein forms Y109D.
Identifiers: ClinVar variation 1393734 (VCV001393734.8), dbSNP rs1653771144, ClinGen allele CA344405073.

ClinVar aggregate classification (germline): Uncertain significance (1 of 4 stars; one submission).

Conditions:
Epilepsy, familial adult myoclonic, 5 (EPEO5). Also called: CORTICAL MYOCLONIC TREMOR WITH EPILEPSY, FAMILIAL, 5. Identifiers: Orphanet 86814, MedGen C3809374, MONDO:0014167, OMIM 615400.

Submission:

Labcorp Genetics (formerly Invitae), Labcorp
Classification: Uncertain significance for Epilepsy, familial adult myoclonic, 5. Last evaluated: 2020-11-27. Review status: criteria provided, single submitter. Criteria: Invitae Variant Classification Sherloc (09022015). Collection method: clinical testing. Allele origin: germline.
Comment: In summary, the available evidence is currently insufficient to determine the role of this variant in disease. Therefore, it has been classified as a Variant of Uncertain Significance. Algorithms developed to predict the effect of missense changes on protein structure and function (SIFT, PolyPhen-2, Align-GVGD) all suggest that this variant is likely to be disruptive, but these predictions have not been confirmed by published functional studies and their clinical significance is uncertain. This variant has not been reported in the literature in individuals with CNTN2-related conditions. This variant is not present in population databases (ExAC no frequency). This sequence change replaces tyrosine with aspartic acid at codon 109 of the CNTN2 protein (p.Tyr109Asp). The tyrosine residue is highly conserved and there is a large physicochemical difference between tyrosine and aspartic acid.